The following is an entry in ClinVar:

ClinVar aggregate classification (germline): Pathogenic (1 of 4 stars; one submission).

Submission:

Labcorp Genetics (formerly Invitae), Labcorp
Classification: Pathogenic. Last evaluated: 2022-09-19. Review status: criteria provided, single submitter. Criteria: Invitae Variant Classification Sherloc (09022015). Collection method: clinical testing. Allele origin: germline.
Comment: This sequence change creates a premature translational stop signal (p.Cys667Phefs*5) in the RINT1 gene. It is expected to result in an absent or disrupted protein product. Loss-of-function variants in RINT1 are known to be pathogenic (PMID: 31204009). This variant is not present in population databases (gnomAD no frequency). For these reasons, this variant has been classified as Pathogenic. ClinVar contains an entry for this variant (Variation ID: 1047352). This variant has not been reported in the literature in individuals affected with RINT1-related conditions.

Literature cited by the submitters: PubMed 31204009.

NM_021930.6(RINT1):c.1998_1999del (p.Cys667fs)

Genes: EFCAB10 (EF-hand calcium binding domain 10; minus strand), RINT1 (RAD50 interactor 1; plus strand). Cytogenetic location: 7q22.3.
Variant type: Deletion.
Coding change: c.1998_1999del on transcript NM_021930.6 (MANE Select); coding-DNA positions 1998 to 1999, 2 bases deleted (TT; older notation c.1998_1999delTT).
Protein change: p.Cys667fs; shifts the reading frame from cysteine 667.
Molecular consequence: frameshift variant. On other transcripts: 3 prime UTR variant (3), non-coding transcript variant (1).
Genome position (GRCh38, 1-based): chr7:105,565,388-105,565,389, TT deleted; deleting any 2 consecutive bases within chr7:105,565,387-105,565,389 gives the same sequence; the c. name uses the placement nearest the transcript's 3' end. VCF-style (leftmost placement, unchanged base first): chr7-105565386-CTT-C. GRCh37 (hg19) VCF-style: chr7-105205833-CTT-C.
Other names: c.*59_*60del (NM_001355526.2); c.*161_*162del (NM_001355530.2); c.*14_*15del (NM_001355531.2); c.1764_1765del, p.Cys589fs (NM_001346599.2); c.975_976del, p.Cys326fs (NM_001346600.2, NM_001346603.2); c.1074_1075del, p.Cys359fs (NM_001346601.2); short protein forms C589fs, C667fs, C326fs, C359fs.
Identifiers: ClinVar variation 1047352 (VCV001047352.6), dbSNP rs1791668026, ClinGen allele CA1731752045.